The following is an entry in ClinVar:

ClinVar aggregate classification (germline): Uncertain significance. Review status: criteria provided, multiple submitters, no conflicts (2 of 4 stars). 2 submissions from 2 submitters: Uncertain significance (2). Last evaluated 2026-09-22.

Conditions:
TRIM32-related disorder. Also called: TRIM32-related condition.
Bardet-Biedl syndrome (BBS). Identifiers: Orphanet 110, MedGen C0752166, MONDO:0015229.

gnomAD v4.1: 1 of 1,614,184 alleles (0.000062%); highest among the groups gnomAD compares: Admixed American, 0.0017%; no homozygotes.

Submissions (2):

PreventionGenetics, part of Exact Sciences
Classification: Uncertain significance for TRIM32-related condition. Last evaluated: 2026-09-22. Review status: criteria provided, single submitter. Criteria: ACMG Guidelines, 2015. Collection method: clinical testing. Allele origin: germline.
Comment: The TRIM32 c.179G>T variant is predicted to result in the amino acid substitution p.Arg60Leu. To our knowledge, this variant has not been reported in the literature. This variant is reported in 0.0029% of alleles in individuals of Latino descent in gnomAD. At this time, the clinical significance of this variant is uncertain due to the absence of conclusive functional and genetic evidence.

Labcorp Genetics (formerly Invitae), Labcorp
Classification: Uncertain significance for Bardet-Biedl syndrome. Last evaluated: 2021-12-31. Review status: criteria provided, single submitter. Criteria: Invitae Variant Classification Sherloc (09022015). Collection method: clinical testing. Allele origin: germline.
Comment: This sequence change replaces arginine, which is basic and polar, with leucine, which is neutral and non-polar, at codon 60 of the TRIM32 protein (p.Arg60Leu). The frequency data for this variant in the population databases is considered unreliable, as metrics indicate poor data quality at this position in the gnomAD database. This variant has not been reported in the literature in individuals affected with TRIM32-related conditions. Algorithms developed to predict the effect of missense changes on protein structure and function (SIFT, PolyPhen-2, Align-GVGD) all suggest that this variant is likely to be disruptive. In summary, the available evidence is currently insufficient to determine the role of this variant in disease. Therefore, it has been classified as a Variant of Uncertain Significance.

NM_012210.4(TRIM32):c.179G>T (p.Arg60Leu)

Genes: ASTN2 (astrotactin 2; minus strand), TRIM32 (tripartite motif containing 32; plus strand). Cytogenetic location: 9q33.1.
Variant type: single nucleotide variant.
Coding change: c.179G>T on transcript NM_012210.4 (MANE Select); coding-DNA position 179, G replaced by T.
Protein change: p.Arg60Leu; replaces arginine 60 with leucine.
Molecular consequence: missense variant. On other transcripts: intron variant (3).
Genome position (GRCh38, 1-based): chr9:116,697,921, G>T. VCF-style: chr9-116697921-G-T. GRCh37 (hg19) VCF-style: chr9-119460200-G-T.
Other names: c.179G>T, p.Arg60Leu (NM_001099679.2, NM_001379048.1, NM_001379049.1 and 1 more transcripts); c.2653+27850C>A (NM_014010.5); c.2794+27850C>A (NM_001365069.1); c.2806+27850C>A (NM_001365068.1); short protein forms R60L.
Identifiers: ClinVar variation 1408726 (VCV001408726.9), dbSNP rs751028044, ClinGen allele CA5210918.